The following is an entry in ClinVar:

ClinVar aggregate classification (germline): Uncertain significance. Review status: criteria provided, multiple submitters, no conflicts (2 of 4 stars). 2 submissions from 2 submitters: Uncertain significance (2). Last evaluated 2022-09-23.

Conditions:
Inborn genetic diseases. Identifiers: MedGen C0950123, MeSH D030342.

Allele frequency attached by ClinVar (database versions not stated): gnomAD exomes below 0.00001.

Submissions (2):

Labcorp Genetics (formerly Invitae), Labcorp
Classification: Uncertain significance. Last evaluated: 2022-09-23. Review status: criteria provided, single submitter. Criteria: Invitae Variant Classification Sherloc (09022015). Collection method: clinical testing. Allele origin: germline.
Comment: In summary, the available evidence is currently insufficient to determine the role of this variant in disease. Therefore, it has been classified as a Variant of Uncertain Significance. Experimental studies and prediction algorithms are not available or were not evaluated, and the functional significance of this variant is currently unknown. This variant has not been reported in the literature in individuals affected with ENPP1-related conditions. The frequency data for this variant in the population databases is considered unreliable, as metrics indicate insufficient coverage at this position in the gnomAD database. This sequence change affects the initiator methionine of the ENPP1 mRNA. The next in-frame methionine is located at codon 53.

Ambry Genetics
Classification: Uncertain significance for Inborn genetic diseases. Last evaluated: 2021-02-19. Review status: criteria provided, single submitter. Criteria: Ambry Variant Classification Scheme 2023. Collection method: clinical testing. Allele origin: germline.
Comment: The c.1A>G (p.M1?) alteration is located in coding exon 1 of the ENPP1 gene and results from an A to G substitution at nucleotide position 1. This alters the methionine residue at the initiation codon (ATG). Variations that modify the initiation codon (ATG) are expected to result in either loss of translation initiation, N-terminal truncation, or cause a shift in the mRNA reading frame; however, there is an in-frame methionine 53 amino acids from the initiation site, which may result in N-terminal truncation of unknown functional significance. Based on insufficient or conflicting evidence, the clinical significance of this alteration remains unclear.

NM_006208.3(ENPP1):c.1A>G (p.Met1Val)

Gene: ENPP1 (ectonucleotide pyrophosphatase/phosphodiesterase 1; plus strand). Cytogenetic location: 6q23.2.
Variant type: single nucleotide variant.
Coding change: c.1A>G on transcript NM_006208.3 (MANE Select); coding-DNA position 1, A replaced by G.
Protein change: p.Met1Val; changes the start codon (methionine 1).
Molecular consequence: missense variant, initiator codon variant.
Genome position (GRCh38, 1-based): chr6:131,808,036, A>G. VCF-style: chr6-131808036-A-G. GRCh37 (hg19) VCF-style: chr6-132129176-A-G.
Other names: short protein forms M1V.
Identifiers: ClinVar variation 1914138 (VCV001914138.7), dbSNP rs2483384951, ClinGen allele CA365660463.
Genomic context (GRCh38, chr6:131,808,036, plus strand): 5'-GCGGCGCGGGGCCTATTAAAGGCGCGGCCGGGCAGCGGGGCCGGAGCGGCCGGGGCCACG[A>G]TGGAGCGCGACGGCTGCGCGGGGGGCGGGAGCCGCGGCGGCGAGGGCGGGCGCGCTCCCC-3'
Protein context (NP_006199.2, residues 1-11): [Met1Val]ERDGCAGGGS